The following is an entry in ClinVar:

ClinVar aggregate classification (germline): Conflicting classifications of pathogenicity. Review status: criteria provided, conflicting classifications (1 of 4 stars). 4 submissions from 4 submitters: Uncertain significance (3); Likely benign (1). Last evaluated 2025-12-16.

Conditions:
Hereditary cancer-predisposing syndrome. Also called: Neoplastic Syndromes, Hereditary; Hereditary neoplastic syndrome; Hereditary Cancer Syndrome; Tumor predisposition. Identifiers: Orphanet 140162, MedGen C0027672, MeSH D009386, MONDO:0015356.
Fanconi anemia complementation group J. Also called: BRIP1-Related Fanconi Anemia. Identifiers: Orphanet 84, MedGen C1836860, MONDO:0012187, OMIM 609054.
Familial cancer of breast. Also called: hereditary breast carcinoma; Hereditary breast cancer; BREAST CANCER, FAMILIAL. Identifiers: Orphanet 227535, MedGen C0346153, MONDO:0016419, OMIM 114480. Disease mechanism: loss of function.

Allele frequency attached by ClinVar (database versions not stated): gnomAD exomes below 0.00001 and 0.00001; ExAC 0.00001.
gnomAD v4.1: 7 of 1,612,624 alleles (0.00043%); highest among the groups gnomAD compares: Middle Eastern, 0.017%; no homozygotes.

Submissions (4):

Women's Health and Genetics/Laboratory Corporation of America, LabCorp
Classification: Uncertain significance. Last evaluated: 2025-12-16. Review status: criteria provided, single submitter. Criteria: LabCorp Variant Classification Summary - May 2015. Collection method: clinical testing. Allele origin: germline.
Comment: Variant summary: BRIP1 c.446A>G (p.Asp149Gly) results in a non-conservative amino acid change in the encoded protein sequence. Algorithms developed to predict the effect of missense changes on protein structure and function are either unavailable or do not agree on the potential impact of this missense change. The variant allele was found at a frequency of 4e-06 in 251326 control chromosomes (gnomAD). The available data on variant occurrences in the general population are insufficient to allow any conclusion about variant significance. c.446A>G has been observed in an individual affected with breast or ovarian cancer (Singh_2018). This report does not provide unequivocal conclusions about association of the variant with Fanconi anemia complementation group J. To our knowledge, no experimental evidence demonstrating an impact on protein function has been reported. The following publication has been ascertained in the context of this evaluation (PMID: 29470806). ClinVar contains an entry for this variant (Variation ID: 653340). Based on the evidence outlined above, the variant was classified as uncertain significance.

Labcorp Genetics (formerly Invitae), Labcorp
Classification: Uncertain significance for Familial cancer of breast; Fanconi anemia complementation group J. Last evaluated: 2025-11-11. Review status: criteria provided, single submitter. Criteria: Invitae Variant Classification Sherloc (09022015). Collection method: clinical testing. Allele origin: germline.
Comment: This sequence change replaces aspartic acid, which is acidic and polar, with glycine, which is neutral and non-polar, at codon 149 of the BRIP1 protein (p.Asp149Gly). This variant is present in population databases (rs770613242, gnomAD 0.003%). This missense change has been observed in individual(s) with breast and ovarian cancer (PMID: 29470806). ClinVar contains an entry for this variant (Variation ID: 653340). Invitae Evidence Modeling of protein sequence and biophysical properties (such as structural, functional, and spatial information, amino acid conservation, physicochemical variation, residue mobility, and thermodynamic stability) indicates that this missense variant is not expected to disrupt BRIP1 protein function with a negative predictive value of 95%. In summary, the available evidence is currently insufficient to determine the role of this variant in disease. Therefore, it has been classified as a Variant of Uncertain Significance.

Ambry Genetics
Classification: Likely benign for Hereditary cancer-predisposing syndrome. Last evaluated: 2024-07-16. Review status: criteria provided, single submitter. Criteria: Ambry Variant Classification Scheme 2023. Collection method: clinical testing. Allele origin: germline.

Color Diagnostics, LLC DBA Color Health
Classification: Uncertain significance for Hereditary cancer-predisposing syndrome. Last evaluated: 2023-07-24. Review status: criteria provided, single submitter. Criteria: ACMG Guidelines, 2015. Collection method: clinical testing. Allele origin: germline.
Comment: This missense variant replaces aspartic acid with glycine at codon 149 of the BRIP1 protein. Computational prediction suggests that this variant may not impact protein structure and function (internally defined REVEL score threshold <= 0.5, PMID: 27666373). To our knowledge, functional studies have not been reported for this variant. This variant has been reported in an individual affected with breast or ovarian cancer (PMID: 29470806). This variant has been identified in 1/251326 chromosomes in the general population by the Genome Aggregation Database (gnomAD). The available evidence is insufficient to determine the role of this variant in disease conclusively. Therefore, this variant is classified as a Variant of Uncertain Significance.

Literature cited by the submitters: PubMed 29470806 (cited by 4 submitters).

NM_032043.3(BRIP1):c.446A>G (p.Asp149Gly)

Gene: BRIP1 (BRCA1 interacting DNA helicase 1; minus strand). Cytogenetic location: 17q23.2.
Variant type: single nucleotide variant.
Coding change: c.446A>G on transcript NM_032043.3 (MANE Select); coding-DNA position 446, A replaced by G.
Protein change: p.Asp149Gly; replaces aspartic acid 149 with glycine.
Molecular consequence: missense variant.
Genome position (GRCh38, 1-based): chr17:61,849,190, T>C on the plus strand (A>G on the coding strand, the complement: BRIP1 is on the minus strand). VCF-style: chr17-61849190-T-C. GRCh37 (hg19) VCF-style: chr17-59926551-T-C.
Other names: short protein forms D149G.
Identifiers: ClinVar variation 653340 (VCV000653340.17), dbSNP rs770613242, ClinGen allele CA8690932.
Genomic context (GRCh38, chr17:61,849,190, plus strand): 5'-TGCTGTGTAGTTTCTAAGGGTCGAATTCTTTTCTTCTCTACTTGAAAATCATCATTTTCA[T>C]CTCTGTATATGGATGCCTGTTTCTTAGCAGATAACTTTGCAGCCAGAGTGGTTTTTTCAG-3'
Protein context (NP_114432.2, residues 139-159): SAKKQASIYR[Asp149Gly]ENDDFQVEKK